The following is an entry in ClinVar:

ClinVar aggregate classification (germline): Uncertain significance. Review status: criteria provided, multiple submitters, no conflicts (2 of 4 stars). 2 submissions from 2 submitters: Uncertain significance (2). Last evaluated 2022-10-04.

Conditions:
Congenital secretory sodium diarrhea 8. Identifiers: Orphanet 103908, MedGen C5441928, MONDO:0014808, OMIM 616868.

Allele frequency attached by ClinVar (database versions not stated): gnomAD 0.00002 and 0.00004; gnomAD exomes 0.00003 and 0.00016; TOPMed 0.00006; ExAC 0.00014; 1000 Genomes Project 0.00040; 1000 Genomes Project 30x 0.00047.
gnomAD v4.1: 46 of 1,611,500 alleles (0.0029%); highest among the groups gnomAD compares: East Asian, 0.091%; no homozygotes.

Submissions (2):

Labcorp Genetics (formerly Invitae), Labcorp
Classification: Uncertain significance. Last evaluated: 2022-10-04. Review status: criteria provided, single submitter. Criteria: Invitae Variant Classification Sherloc (09022015). Collection method: clinical testing. Allele origin: germline.
Comment: This variant is present in population databases (rs202223784, gnomAD 0.2%). This sequence change replaces glutamine, which is neutral and polar, with arginine, which is basic and polar, at codon 621 of the SLC9A3 protein (p.Gln621Arg). This variant has not been reported in the literature in individuals affected with SLC9A3-related conditions. In summary, the available evidence is currently insufficient to determine the role of this variant in disease. Therefore, it has been classified as a Variant of Uncertain Significance. Advanced modeling of protein sequence and biophysical properties (such as structural, functional, and spatial information, amino acid conservation, physicochemical variation, residue mobility, and thermodynamic stability) performed at Invitae indicates that this missense variant is not expected to disrupt SLC9A3 protein function. ClinVar contains an entry for this variant (Variation ID: 1034058).

Baylor Genetics
Classification: Uncertain significance for Congenital secretory sodium diarrhea 8. Last evaluated: 2018-09-24. Review status: criteria provided, single submitter. Criteria: ACMG Guidelines, 2015. Collection method: clinical testing. Allele origin: paternal. Affected: yes.
Comment: This variant was determined to be of uncertain significance according to ACMG Guidelines, 2015 [PMID:25741868].

NM_004174.4(SLC9A3):c.1862A>G (p.Gln621Arg)

Genes: SLC9A3 (solute carrier family 9 member A3), SLC9A3-AS1 (SLC9A3 antisense RNA 1; plus strand). Cytogenetic location: 5p15.33.
Variant type: single nucleotide variant.
Coding change: c.1862A>G on transcript NM_004174.4 (MANE Select); coding-DNA position 1862, A replaced by G.
Protein change: p.Gln621Arg; replaces glutamine 621 with arginine.
Molecular consequence: missense variant.
Genome position (GRCh38, 1-based): chr5:476,571, T>C on the plus strand (A>G on the coding strand, the complement: SLC9A3 is on the minus strand). VCF-style: chr5-476571-T-C. GRCh37 (hg19) VCF-style: chr5-476686-T-C.
Other names: c.1835A>G, p.Gln612Arg (NM_001284351.3); short protein forms Q612R, Q621R.
Identifiers: ClinVar variation 1034058 (VCV001034058.6), dbSNP rs202223784, ClinGen allele CA3175685.